The following is an entry in ClinVar:

ClinVar aggregate classification (germline): Conflicting classifications of pathogenicity. Review status: criteria provided, conflicting classifications (1 of 4 stars). 2 submissions from 2 submitters: Uncertain significance (1); Likely benign (1). Last evaluated 2024-07-11.

Allele frequency attached by ClinVar (database versions not stated): gnomAD 0.00009 and 0.00010; TOPMed 0.00009; gnomAD exomes 0.00011; ExAC 0.00013; ESP Exome Variant Server 0.00015.
gnomAD v4.1: 204 of 1,612,386 alleles (0.013%); highest among the groups gnomAD compares: Middle Eastern, 0.033%; no homozygotes.

Submissions (2):

Blueprint Genetics
Classification: Likely benign. Last evaluated: 2024-07-11. Review status: criteria provided, single submitter. Criteria: ACMG Guidelines, 2015. Collection method: clinical testing. Allele origin: germline.

Labcorp Genetics (formerly Invitae), Labcorp
Classification: Uncertain significance. Last evaluated: 2022-07-16. Review status: criteria provided, single submitter. Criteria: Invitae Variant Classification Sherloc (09022015). Collection method: clinical testing. Allele origin: germline.
Comment: This sequence change replaces arginine, which is basic and polar, with glutamine, which is neutral and polar, at codon 294 of the CXCR2 protein (p.Arg294Gln). This variant is present in population databases (rs2228413, gnomAD 0.02%). This variant has not been reported in the literature in individuals affected with CXCR2-related conditions. ClinVar contains an entry for this variant (Variation ID: 1437560). Algorithms developed to predict the effect of missense changes on protein structure and function output the following: SIFT: "Tolerated"; PolyPhen-2: "Benign"; Align-GVGD: "Class C0". The glutamine amino acid residue is found in multiple mammalian species, which suggests that this missense change does not adversely affect protein function. Algorithms developed to predict the effect of sequence changes on RNA splicing suggest that this variant may create or strengthen a splice site. In summary, the available evidence is currently insufficient to determine the role of this variant in disease. Therefore, it has been classified as a Variant of Uncertain Significance.

NM_001557.4(CXCR2):c.881G>A (p.Arg294Gln)

Gene: CXCR2 (C-X-C motif chemokine receptor 2; plus strand). Cytogenetic location: 2q35.
Variant type: single nucleotide variant.
Coding change: c.881G>A on transcript NM_001557.4 (MANE Select); coding-DNA position 881, G replaced by A.
Protein change: p.Arg294Gln; replaces arginine 294 with glutamine.
Molecular consequence: missense variant.
Genome position (GRCh38, 1-based): chr2:218,135,682, G>A. VCF-style: chr2-218135682-G-A. GRCh37 (hg19) VCF-style: chr2-219000405-G-A.
Other names: c.881G>A, p.Arg294Gln (NM_001168298.2); short protein forms R294Q.
Identifiers: ClinVar variation 1437560 (VCV001437560.4), dbSNP rs2228413, ClinGen allele CA2101805.